The following is an entry in ClinVar:

NM_001130173.2(MYB):c.532del (p.Asp178fs)

Gene: MYB (MYB proto-oncogene, transcription factor; plus strand). Cytogenetic location: 6q23.3.
Variant type: Deletion.
Coding change: c.532del on transcript NM_001130173.2 (MANE Select); coding-DNA position 532, one base deleted (G; older notation c.532delG).
Protein change: p.Asp178fs; shifts the reading frame from aspartic acid 178.
Molecular consequence: frameshift variant. On other transcripts: non-coding transcript variant (8).
Genome position (GRCh38, 1-based): chr6:135,192,328, G deleted. VCF-style (leftmost placement, unchanged base first): chr6-135192327-TG-T. GRCh37 (hg19) VCF-style: chr6-135513465-TG-T.
Other names: c.532del, p.Asp178fs (NM_001130172.2, NM_001161656.2, NM_001161657.2 and 4 more transcripts); short protein forms D178fs.
Identifiers: ClinVar variation 2636840 (VCV002636840.1), dbSNP rs2482446191, ClinGen allele CA2695198361.

ClinVar aggregate classification (germline): Uncertain significance (1 of 4 stars; one submission).

Conditions:
MYB-related disorder. Also called: MYB-related condition.

Submission:

PreventionGenetics, part of Exact Sciences
Classification: Uncertain significance for MYB-related condition. Last evaluated: 2023-05-02. Review status: criteria provided, single submitter. Criteria: ACMG Guidelines, 2015. Collection method: clinical testing. Allele origin: germline.
Comment: The MYB c.532delG variant is predicted to result in a frameshift and premature protein termination (p.Asp178Ilefs*43). To our knowledge, this variant has not been reported in the literature or in a large population database, indicating this variant is rare. The MYB gene is intolerant to early termination changes in this region; however, none have been reported in association with disease. At this time, the clinical significance of this variant is uncertain due to the absence of conclusive functional and genetic evidence.